The following is an entry in ClinVar:

ClinVar aggregate classification (germline): Uncertain significance (1 of 4 stars; one submission).

Conditions:
Parathyroid carcinoma (PRTC). Also called: CDC73-Related Parathyroid Carcinoma; Parathyroid gland carcinoma. Identifiers: Orphanet 143, MedGen C0687150, MONDO:0012004, OMIM 608266, HP:0006780.

Submission:

Labcorp Genetics (formerly Invitae), Labcorp
Classification: Uncertain significance for Parathyroid carcinoma. Last evaluated: 2025-02-06. Review status: criteria provided, single submitter. Criteria: Invitae Variant Classification Sherloc (09022015). Collection method: clinical testing. Allele origin: germline.
Comment: This sequence change replaces glutamic acid, which is acidic and polar, with glutamine, which is neutral and polar, at codon 482 of the CDC73 protein (p.Glu482Gln). This variant is not present in population databases (gnomAD no frequency). This variant has not been reported in the literature in individuals affected with CDC73-related conditions. Invitae Evidence Modeling of protein sequence and biophysical properties (such as structural, functional, and spatial information, amino acid conservation, physicochemical variation, residue mobility, and thermodynamic stability) indicates that this missense variant is expected to disrupt CDC73 protein function with a positive predictive value of 80%. In summary, the available evidence is currently insufficient to determine the role of this variant in disease. Therefore, it has been classified as a Variant of Uncertain Significance.

NM_024529.5(CDC73):c.1444G>C (p.Glu482Gln)

Gene: CDC73 (cell division cycle 73; plus strand). Cytogenetic location: 1q31.2.
Variant type: single nucleotide variant.
Coding change: c.1444G>C on transcript NM_024529.5 (MANE Select); coding-DNA position 1444, G replaced by C.
Protein change: p.Glu482Gln; replaces glutamic acid 482 with glutamine.
Molecular consequence: missense variant.
Genome position (GRCh38, 1-based): chr1:193,249,756, G>C. VCF-style: chr1-193249756-G-C. GRCh37 (hg19) VCF-style: chr1-193218886-G-C.
Other names: short protein forms E482Q.
Identifiers: ClinVar variation 4741700 (VCV004741700.1).